The following is an entry in ClinVar:

ClinVar aggregate classification (germline): Benign (3 of 4 stars; one submission).

Conditions:
Breast-ovarian cancer, familial, susceptibility to, 1 (BROVCA1). Also called: BRCA1 Hereditary Breast and Ovarian Cancer; OVARIAN CANCER, SUSCEPTIBILITY TO. Identifiers: Orphanet 145, MedGen C2676676, MONDO:0011450, OMIM 604370. Disease mechanism: loss of function.

Allele frequency attached by ClinVar (database versions not stated): gnomAD 0.00001 and 0.00002; TOPMed 0.00001; 1000 Genomes Project 30x 0.00016; 1000 Genomes Project 0.00020.
gnomAD v4.1: 3 of 151,620 alleles (0.002%); highest among the groups gnomAD compares: Non-Finnish European, 0.0029%; no homozygotes.

Submission:

Evidence-based Network for the Interpretation of Germline Mutant Alleles (ENIGMA)
Classification: Benign for Breast-ovarian cancer, familial 1. Last evaluated: 2015-01-12. Review status: reviewed by expert panel. Criteria: ENIGMA BRCA1/2 Classification Criteria (2015). Collection method: curation. Allele origin: germline.
Comment: Class 1 not pathogenic based on frequency >1% in an outbred sampleset. Frequency 0.01016 (African), derived from 1000 genomes (2012-04-30).

NM_007294.4(BRCA1):c.81-2286A>G

Gene: BRCA1 (BRCA1 DNA repair associated; minus strand). Cytogenetic location: 17q21.31.
Variant type: single nucleotide variant.
Coding change: c.81-2286A>G on transcript NM_007294.4 (MANE Select); 2286 bases into the intron before coding-DNA position 81, A replaced by G.
Molecular consequence: intron variant.
Genome position (GRCh38, 1-based): chr17:43,118,065, T>C on the plus strand (A>G on the coding strand, the complement: BRCA1 is on the minus strand). VCF-style: chr17-43118065-T-C. GRCh37 (hg19) VCF-style: chr17-41270082-T-C.
Other names: IVS 2-2286A>G; c.-61-2286A>G (NM_001408458.1, NM_001408470.1, NM_001407848.1 and 44 more transcripts); c.-219+7212A>G (NM_001407967.1); c.-170+7212A>G (NM_001407959.1); c.-8+7212A>G (NM_001407931.1, NM_001407747.1); c.-223-2286A>G (NM_001407962.1, NM_001408512.1, NM_001408510.1 and 1 more transcripts); c.-108-2286A>G (NM_001407885.1, NM_001407886.1, NM_001408509.1 and 51 more transcripts); c.-177-2286A>G (NM_001407746.1, NM_001408468.1, NM_001407842.1 and 12 more transcripts); and 15 more.
Identifiers: ClinVar variation 209544 (VCV000209544.2), dbSNP rs147420429, ClinGen allele CA276513.
Genomic context (GRCh38, chr17:43,118,065, plus strand): 5'-GAATAAGTGCATTAAAGAGAAAAATTAAGCAGGGTAAGGGGAAACAGGTAGTTCAATATC[T>C]ATGTGGGGGTGAGATGTACATGGGGGGAGTCAGGAAAGGTTTCACTGAGGTGAGACTAGA-3'